The following is an entry in ClinVar:

NM_000422.3(KRT17):c.831C>A (p.Ser277Arg)

Gene: KRT17 (keratin 17; minus strand). Cytogenetic location: 17q21.2.
Variant type: single nucleotide variant.
Coding change: c.831C>A on transcript NM_000422.3 (MANE Select); coding-DNA position 831, C replaced by A.
Protein change: p.Ser277Arg; replaces serine 277 with arginine.
Molecular consequence: missense variant.
Genome position (GRCh38, 1-based): chr17:41,621,596, G>T on the plus strand (C>A on the coding strand, the complement: KRT17 is on the minus strand). VCF-style: chr17-41621596-G-T. GRCh37 (hg19) VCF-style: chr17-39777848-G-T.
Other names: short protein forms S277R.
Identifiers: ClinVar variation 4766881 (VCV004766881.1).

ClinVar aggregate classification (germline): Uncertain significance (1 of 4 stars; one submission).

gnomAD v4.1: 3 of 1,612,032 alleles (0.00019%); highest among the groups gnomAD compares: Non-Finnish European, 0.00017%; no homozygotes.

Submission:

Labcorp Genetics (formerly Invitae), Labcorp
Classification: Uncertain significance. Last evaluated: 2025-11-21. Review status: criteria provided, single submitter. Criteria: Invitae Variant Classification Sherloc (09022015). Collection method: clinical testing. Allele origin: germline.
Comment: This sequence change replaces serine, which is neutral and polar, with arginine, which is basic and polar, at codon 277 of the KRT17 protein (p.Ser277Arg). This variant is not present in population databases (gnomAD no frequency). This variant has not been reported in the literature in individuals affected with KRT17-related conditions. Invitae Evidence Modeling of protein sequence and biophysical properties (such as structural, functional, and spatial information, amino acid conservation, physicochemical variation, residue mobility, and thermodynamic stability) indicates that this missense variant is not expected to disrupt KRT17 protein function with a negative predictive value of 95%. In summary, the available evidence is currently insufficient to determine the role of this variant in disease. Therefore, it has been classified as a Variant of Uncertain Significance.